The following is an entry in ClinVar:

ClinVar aggregate classification (germline): Uncertain significance (1 of 4 stars; one submission).

Conditions:
Arrhythmogenic right ventricular dysplasia 9 (ARVD9). Also called: Arrhythmogenic Right Ventricular Dysplasia/Cardiomyopathy 9; ARRHYTHMOGENIC RIGHT VENTRICULAR DYSPLASIA, FAMILIAL, 9. Identifiers: MedGen C1836906, MONDO:0012180, OMIM 609040.

gnomAD v4.1: 1 of 1,614,062 alleles (0.000062%); highest among the groups gnomAD compares: Non-Finnish European, 0.000085%; no homozygotes.

Submission:

Labcorp Genetics (formerly Invitae), Labcorp
Classification: Uncertain significance for Arrhythmogenic right ventricular dysplasia 9. Last evaluated: 2025-09-20. Review status: criteria provided, single submitter. Criteria: Invitae Variant Classification Sherloc (09022015). Collection method: clinical testing. Allele origin: germline.
Comment: This sequence change replaces serine, which is neutral and polar, with threonine, which is neutral and polar, at codon 837 of the PKP2 protein (p.Ser837Thr). This variant is not present in population databases (gnomAD no frequency). This variant has not been reported in the literature in individuals affected with PKP2-related conditions. An algorithm developed to predict the effect of missense changes on protein structure and function outputs the following: PolyPhen-2: "Benign". The threonine amino acid residue is found in multiple mammalian species, which suggests that this missense change does not adversely affect protein function. In summary, the available evidence is currently insufficient to determine the role of this variant in disease. Therefore, it has been classified as a Variant of Uncertain Significance.

NM_001005242.3(PKP2):c.2378G>C (p.Ser793Thr)

Gene: PKP2 (plakophilin 2; minus strand). Cytogenetic location: 12p11.21.
Variant type: single nucleotide variant.
Coding change: c.2378G>C on transcript NM_001005242.3 (MANE Select); coding-DNA position 2378, G replaced by C.
Protein change: p.Ser793Thr; replaces serine 793 with threonine.
Molecular consequence: missense variant.
Genome position (GRCh38, 1-based): chr12:32,792,711, C>G on the plus strand (G>C on the coding strand, the complement: PKP2 is on the minus strand). VCF-style: chr12-32792711-C-G. GRCh37 (hg19) VCF-style: chr12-32945645-C-G.
Other names: c.2188G>C, p.Val730Leu (NM_001407155.1); c.2213G>C, p.Ser738Thr (NM_001407156.1); c.2051G>C, p.Ser684Thr (NM_001407158.1, NM_001407159.1); c.1861G>C, p.Val621Leu (NM_001407160.1); c.2510G>C, p.Ser837Thr (NM_004572.4); short protein forms S684T, S738T, S793T, S837T, V621L, V730L.
Identifiers: ClinVar variation 4797842 (VCV004797842.1).